The following is an entry in ClinVar:

ClinVar aggregate classification (germline): Benign. Review status: criteria provided, single submitter (1 of 4 stars). 2 submissions from 2 submitters: Benign (1). 1 of the submissions does not count toward it.

Allele frequency attached by ClinVar (database versions not stated): gnomAD exomes 0.03564; TOPMed 0.03823; ESP Exome Variant Server 0.04452; 1000 Genomes Project 0.02316; 1000 Genomes Project 30x 0.02420; gnomAD 0.03454 and 0.03510; ExAC 0.03554.
gnomAD v4.1: 61,061 of 1,521,834 alleles (4%); highest among the groups gnomAD compares: Middle Eastern, 8.3%; 1,570 homozygotes.

Submissions (9):

Breakthrough Genomics
Classification: Benign. Review status: criteria provided, single submitter. Criteria: ACMG Guidelines, 2015. Collection method: not provided. Allele origin: germline. Inheritance: Autosomal recessive inheritance. Affected: yes.

Dr. Peter K. Rogan Lab, Western University
No classification provided (evidence only). Condition: Acute myeloid leukemia. Review status: no classification provided. Collection method: in vitro. Allele origin: not applicable. Functional consequence: retained intron. Not counted in ClinVar's aggregate classification.

Dr. Peter K. Rogan Lab, Western University
No classification provided (evidence only). Condition: Acute myeloid leukemia. Review status: no classification provided. Collection method: in vitro. Allele origin: not applicable. Functional consequence: retained intron. Not counted in ClinVar's aggregate classification.

Dr. Peter K. Rogan Lab, Western University
No classification provided (evidence only). Condition: Acute myeloid leukemia. Review status: no classification provided. Collection method: in vitro. Allele origin: not applicable. Functional consequence: retained intron. Not counted in ClinVar's aggregate classification.

Dr. Peter K. Rogan Lab, Western University
No classification provided (evidence only). Condition: Uterine corpus endometrial carcinoma. Review status: no classification provided. Collection method: in vitro. Allele origin: not applicable. Functional consequence: retained intron. Not counted in ClinVar's aggregate classification.

Dr. Peter K. Rogan Lab, Western University
No classification provided (evidence only). Condition: Thymoma. Review status: no classification provided. Collection method: in vitro. Allele origin: not applicable. Functional consequence: retained intron. Not counted in ClinVar's aggregate classification.

Dr. Peter K. Rogan Lab, Western University
No classification provided (evidence only). Condition: Uveal melanoma. Review status: no classification provided. Collection method: in vitro. Allele origin: not applicable. Functional consequence: retained intron. Not counted in ClinVar's aggregate classification.

Dr. Peter K. Rogan Lab, Western University
No classification provided (evidence only). Condition: Malignant tumor of esophagus. Review status: no classification provided. Collection method: in vitro. Allele origin: not applicable. Functional consequence: retained intron. Not counted in ClinVar's aggregate classification.

Genetic Services Laboratory, University of Chicago
Classification: Likely benign. Review status: no assertion criteria provided. Collection method: clinical testing. Allele origin: germline. Inheritance: Autosomal recessive inheritance. Not counted in ClinVar's aggregate classification.
Comment: Likely benign based on allele frequency in 1000 Genomes Project or ESP global frequency and its presence in a patient with a rare or unrelated disease phenotype. NOT Sanger confirmed

NM_006031.6(PCNT):c.720+32C>T

Gene: PCNT (pericentrin; plus strand). Cytogenetic location: 21q22.3.
Variant type: single nucleotide variant.
Coding change: c.720+32C>T on transcript NM_006031.6 (MANE Select); 32 bases into the intron after coding-DNA position 720, C replaced by T.
Molecular consequence: intron variant.
Genome position (GRCh38, 1-based): chr21:46,346,240, C>T. VCF-style: chr21-46346240-C-T. GRCh37 (hg19) VCF-style: chr21-47766154-C-T.
Other names: NC_000021.8:g.47766154C>T; c.366+32C>T (NM_001315529.2).
Identifiers: ClinVar variation 159652 (VCV000159652.8), dbSNP rs114224027, ClinGen allele CA173085.
Genomic context (GRCh38, chr21:46,346,240, plus strand): 5'-AAGATGAGGCTGGCCTGCATCAGAGTCAGGTGACCCGGCGGGGCCTGCACAGGCTCACAG[C>T]ATGGGCTCTGTTATCCCCACAGGGCACAGTGGGCATCCGGGTGGGGGTGGGGTGGGCGCT-3'